The following is an entry in ClinVar:

NM_003320.5(TUB):c.199G>A (p.Ala67Thr)

Gene: TUB (TUB bipartite transcription factor; plus strand). Cytogenetic location: 11p15.4.
Variant type: single nucleotide variant.
Coding change: c.199G>A on transcript NM_003320.5; coding-DNA position 199, G replaced by A.
Protein change: p.Ala67Thr; replaces alanine 67 with threonine.
Molecular consequence: missense variant. On other transcripts: intron variant (4).
Genome position (GRCh38, 1-based): chr11:8,039,688, G>A. VCF-style: chr11-8039688-G-A. GRCh37 (hg19) VCF-style: chr11-8061235-G-A.
Other names: c.56+20330G>A (NM_001440538.1, NM_001440539.1, NM_001440540.1 and 1 more transcripts); short protein forms A67T.
Identifiers: ClinVar variation 845514 (VCV000845514.11), dbSNP rs369256996, ClinGen allele CA5870858.

ClinVar aggregate classification (germline): Uncertain significance. Review status: criteria provided, multiple submitters, no conflicts (2 of 4 stars). 3 submissions from 3 submitters: Uncertain significance (2). 1 of the submissions does not count toward it. Last evaluated 2025-03-17.

Conditions:
TUB-related disorder. Also called: TUB-related condition.

Allele frequency attached by ClinVar (database versions not stated): ESP Exome Variant Server 0.00008; ExAC 0.00012; gnomAD 0.00004; gnomAD exomes 0.00007; TOPMed 0.00007.
gnomAD v4.1: 123 of 1,532,946 alleles (0.008%); highest among the groups gnomAD compares: Non-Finnish European, 0.0091%; no homozygotes.

Submissions (3):

Labcorp Genetics (formerly Invitae), Labcorp
Classification: Uncertain significance. Last evaluated: 2025-03-17. Review status: criteria provided, single submitter. Criteria: Invitae Variant Classification Sherloc (09022015). Collection method: clinical testing. Allele origin: germline.
Comment: This sequence change replaces alanine, which is neutral and non-polar, with threonine, which is neutral and polar, at codon 67 of the TUB protein (p.Ala67Thr). The frequency data for this variant in the population databases is considered unreliable, as metrics indicate poor data quality at this position in the gnomAD database. This variant has not been reported in the literature in individuals affected with TUB-related conditions. ClinVar contains an entry for this variant (Variation ID: 845514). An algorithm developed to predict the effect of missense changes on protein structure and function (PolyPhen-2) suggests that this variant is likely to be tolerated. In summary, the available evidence is currently insufficient to determine the role of this variant in disease. Therefore, it has been classified as a Variant of Uncertain Significance.

Blueprint Genetics
Classification: Uncertain significance. Last evaluated: 2024-04-26. Review status: criteria provided, single submitter. Criteria: ACMG Guidelines, 2015. Collection method: clinical testing. Allele origin: germline.

PreventionGenetics, part of Exact Sciences
Classification: Uncertain significance for TUB-related condition. Last evaluated: 2024-05-30. Review status: no assertion criteria provided. Collection method: clinical testing. Allele origin: germline. Not counted in ClinVar's aggregate classification.
Comment: The TUB c.199G>A variant is predicted to result in the amino acid substitution p.Ala67Thr. To our knowledge, this variant has not been reported in the literature. This variant is reported in 0.0097% of alleles in individuals of South Asian descent in gnomAD. At this time, the clinical significance of this variant is uncertain due to the absence of conclusive functional and genetic evidence.